The following is an entry in ClinVar:

NM_023110.3(FGFR1):c.1703A>G (p.Asn568Ser)

Gene: FGFR1 (fibroblast growth factor receptor 1; minus strand). Cytogenetic location: 8p11.23.
Variant type: single nucleotide variant.
Coding change: c.1703A>G on transcript NM_023110.3 (MANE Select); coding-DNA position 1703, A replaced by G.
Protein change: p.Asn568Ser; replaces asparagine 568 with serine.
Molecular consequence: missense variant.
Genome position (GRCh38, 1-based): chr8:38,416,021, T>C on the plus strand (A>G on the coding strand, the complement: FGFR1 is on the minus strand). VCF-style: chr8-38416021-T-C. GRCh37 (hg19) VCF-style: chr8-38273539-T-C.
Other names: c.1436A>G, p.Asn479Ser (NM_023105.3, NM_001174066.2); c.1430A>G, p.Asn477Ser (NM_023106.3, NM_001354370.2); c.1703A>G, p.Asn568Ser (NM_000604.2); c.1697A>G, p.Asn566Ser (NM_001174063.2, NM_001174065.2, NM_001354367.2 and 1 more transcripts); c.1673A>G, p.Asn558Ser (NM_001174064.2); c.1796A>G, p.Asn599Ser (NM_001174067.2); c.1424A>G, p.Asn475Ser (NM_001354368.2); c.1691A>G, p.Asn564Ser (NM_001354369.2, NM_001410922.1); short protein forms N475S, N558S, N599S, N479S, N568S, N564S, N566S, N477S.
Identifiers: ClinVar variation 2111669 (VCV002111669.4), dbSNP rs2150590362, ClinGen allele CA370731844.

ClinVar aggregate classification (germline): Uncertain significance (1 of 4 stars; one submission).

Conditions:
Hypogonadotropic hypogonadism 2 with or without anosmia (HH2). Also called: HYPOGONADOTROPIC HYPOGONADISM 2 WITH OR WITHOUT ANOSMIA, SUSCEPTIBILITY TO; HYPOGONADOTROPIC HYPOGONADISM 2 WITHOUT ANOSMIA, SUSCEPTIBILITY TO; FGFR1-Related GnRH Deficiency (Kallmann Syndrome 2); HYPOGONADOTROPIC HYPOGONADISM 2 WITHOUT ANOSMIA. Identifiers: Orphanet 478, MedGen C1563720, MONDO:0007844, OMIM 147950. Disease mechanism: loss of function.
Pfeiffer syndrome (ACS5). Also called: ACS V. Identifiers: Orphanet 710, MedGen C0220658, MONDO:0007043, OMIM 101600.

Submission:

Labcorp Genetics (formerly Invitae), Labcorp
Classification: Uncertain significance for Pfeiffer syndrome; Hypogonadotropic hypogonadism 2 with or without anosmia. Last evaluated: 2024-10-26. Review status: criteria provided, single submitter. Criteria: Invitae Variant Classification Sherloc (09022015). Collection method: clinical testing. Allele origin: germline.
Comment: This sequence change replaces asparagine, which is neutral and polar, with serine, which is neutral and polar, at codon 568 of the FGFR1 protein (p.Asn568Ser). This variant is not present in population databases (gnomAD no frequency). This variant has not been reported in the literature in individuals affected with FGFR1-related conditions. ClinVar contains an entry for this variant (Variation ID: 2111669). Invitae Evidence Modeling of protein sequence and biophysical properties (such as structural, functional, and spatial information, amino acid conservation, physicochemical variation, residue mobility, and thermodynamic stability) indicates that this missense variant is not expected to disrupt FGFR1 protein function with a negative predictive value of 80%. In summary, the available evidence is currently insufficient to determine the role of this variant in disease. Therefore, it has been classified as a Variant of Uncertain Significance.